The following is an entry in ClinVar:

NM_001363711.2(DUOX2):c.2116C>A (p.Leu706Met)

Gene: DUOX2 (dual oxidase 2; minus strand). Cytogenetic location: 15q21.1.
Variant type: single nucleotide variant.
Coding change: c.2116C>A on transcript NM_001363711.2 (MANE Select); coding-DNA position 2116, C replaced by A.
Protein change: p.Leu706Met; replaces leucine 706 with methionine.
Molecular consequence: missense variant.
Genome position (GRCh38, 1-based): chr15:45,106,157, G>T on the plus strand (C>A on the coding strand, the complement: DUOX2 is on the minus strand). VCF-style: chr15-45106157-G-T. GRCh37 (hg19) VCF-style: chr15-45398355-G-T.
Other names: c.2116C>A (NM_014080.4); c.2116C>A, p.Leu706Met (NM_014080.5); short protein forms L706M.
Identifiers: ClinVar variation 1499776 (VCV001499776.8), dbSNP rs1185503447, ClinGen allele CA392272830.

ClinVar aggregate classification (germline): Uncertain significance. Review status: criteria provided, multiple submitters, no conflicts (2 of 4 stars). 2 submissions from 2 submitters: Uncertain significance (2). Last evaluated 2025-11-24.

Conditions:
Inborn genetic diseases. Identifiers: MedGen C0950123, MeSH D030342.

Allele frequency attached by ClinVar (database versions not stated): gnomAD exomes 0.00001.
gnomAD v4.1: 5 of 1,614,242 alleles (0.00031%); highest among the groups gnomAD compares: Non-Finnish European, 0.00042%; no homozygotes.

Submissions (2):

Labcorp Genetics (formerly Invitae), Labcorp
Classification: Uncertain significance. Last evaluated: 2025-11-24. Review status: criteria provided, single submitter. Criteria: Invitae Variant Classification Sherloc (09022015). Collection method: clinical testing. Allele origin: germline.
Comment: This sequence change replaces leucine, which is neutral and non-polar, with methionine, which is neutral and non-polar, at codon 706 of the DUOX2 protein (p.Leu706Met). This variant is present in population databases (no rsID available, gnomAD 0.0009%). This variant has not been reported in the literature in individuals affected with DUOX2-related conditions. ClinVar contains an entry for this variant (Variation ID: 1499776). Invitae Evidence Modeling of protein sequence and biophysical properties (such as structural, functional, and spatial information, amino acid conservation, physicochemical variation, residue mobility, and thermodynamic stability) indicates that this missense variant is not expected to disrupt DUOX2 protein function with a negative predictive value of 80%. In summary, the available evidence is currently insufficient to determine the role of this variant in disease. Therefore, it has been classified as a Variant of Uncertain Significance.

Ambry Genetics
Classification: Uncertain significance for Inborn genetic diseases. Last evaluated: 2025-07-02. Review status: criteria provided, single submitter. Criteria: Ambry Variant Classification Scheme 2023. Collection method: clinical testing. Allele origin: germline.